The following is an entry in ClinVar:

NM_203447.4(DOCK8):c.3760G>A (p.Ala1254Thr)

Gene: DOCK8 (dedicator of cytokinesis 8; plus strand). Cytogenetic location: 9p24.3.
Variant type: single nucleotide variant.
Coding change: c.3760G>A on transcript NM_203447.4 (MANE Select); coding-DNA position 3760, G replaced by A.
Protein change: p.Ala1254Thr; replaces alanine 1254 with threonine.
Molecular consequence: missense variant.
Genome position (GRCh38, 1-based): chr9:418,127, G>A. VCF-style: chr9-418127-G-A. GRCh37 (hg19) VCF-style: chr9-418127-G-A.
Other names: c.3460G>A, p.Ala1154Thr (NM_001190458.2); c.3556G>A, p.Ala1186Thr (NM_001193536.2); short protein forms A1154T, A1186T, A1254T.
Identifiers: ClinVar variation 2799016 (VCV002799016.3), dbSNP rs2056110575, ClinGen allele CA372762200.

ClinVar aggregate classification (germline): Uncertain significance (1 of 4 stars; one submission).

Conditions:
Combined immunodeficiency due to DOCK8 deficiency (HIES2). Also called: HYPER-IgE SYNDROME 2, AUTOSOMAL RECESSIVE, WITH RECURRENT INFECTIONS; DOCK8 Deficiency; HIES autosomal recessive; Hyper-IgE recurrent infection syndrome, autosomal recessive; HYPER-IgE RECURRENT INFECTION SYNDROME 2, AUTOSOMAL RECESSIVE. Identifiers: Orphanet 217390, MedGen C4722305, MONDO:0009478, OMIM 243700.

gnomAD v4.1: 5 of 1,614,218 alleles (0.00031%); highest among the groups gnomAD compares: East Asian, 0.0089%; no homozygotes.

Submission:

Labcorp Genetics (formerly Invitae), Labcorp
Classification: Uncertain significance for Combined immunodeficiency due to DOCK8 deficiency. Last evaluated: 2023-10-25. Review status: criteria provided, single submitter. Criteria: Invitae Variant Classification Sherloc (09022015). Collection method: clinical testing. Allele origin: germline.
Comment: This sequence change replaces alanine, which is neutral and non-polar, with threonine, which is neutral and polar, at codon 1254 of the DOCK8 protein (p.Ala1254Thr). This variant is not present in population databases (gnomAD no frequency). This variant has not been reported in the literature in individuals affected with DOCK8-related conditions. Advanced modeling of protein sequence and biophysical properties (such as structural, functional, and spatial information, amino acid conservation, physicochemical variation, residue mobility, and thermodynamic stability) performed at Invitae indicates that this missense variant is not expected to disrupt DOCK8 protein function with a negative predictive value of 80%. In summary, the available evidence is currently insufficient to determine the role of this variant in disease. Therefore, it has been classified as a Variant of Uncertain Significance.